The following is an entry in ClinVar:

ClinVar aggregate classification (germline): Uncertain significance (0 of 4 stars; one submission).

Conditions:
Keratosis follicularis (DAR). Also called: Darier disease; Darier's disease. Identifiers: Orphanet 218, MedGen C0022595, MONDO:0007417, OMIM 124200.

Submission:

Medical Genetics Unit, Mauro Baschirotto Institute for Rare Disease
Classification: Uncertain significance for Keratosis follicularis. Last evaluated: 2024-06-07. Review status: no assertion criteria provided. Collection method: provider interpretation. Allele origin: de novo. Affected: yes. Observed: 1 variant allele.
Comment: The c.106T>G (p.Trp36Gly) variant has not been published as a pathogenic variant, nor has it been reported as a benign variant to our knowledge. As far as we know, this variant has not been reported in the literature or in a large population database, indicating this variant is rare. Missense variants in this gene are a common cause of disease and they are underrepresented in the general population. This sequence change replaces tryptophan, which is non-polar, with glycine, which is non-polar, at codon 36 of the ATP2A2 protein. This substitution occurs in A-domain at a position that is conserved across species. In silico analysis gives discordant results. This novel missense variant was predicted as benign by Polyphen2, deleterious by PROVEAN, tolerated by FATHMM, probably damaging by PSEP, and is predicted to affect protein function by SIFT. Therefore, this variant is classified variant of uncertain significance. Although this variant has not been previously reported to our knowledge, the possibility that it is benign or pathogenic cannot be excluded.

NM_170665.4(ATP2A2):c.106T>G (p.Trp36Gly)

Gene: ATP2A2 (ATPase sarcoplasmic/endoplasmic reticulum Ca2+ transporting 2; plus strand). Cytogenetic location: 12q24.11.
Variant type: single nucleotide variant.
Coding change: c.106T>G on transcript NM_170665.4 (MANE Select); coding-DNA position 106, T replaced by G.
Protein change: p.Trp36Gly; replaces tryptophan 36 with glycine.
Molecular consequence: missense variant. On other transcripts: intron variant (1).
Genome position (GRCh38, 1-based): chr12:110,281,895, T>G. VCF-style: chr12-110281895-T-G. GRCh37 (hg19) VCF-style: chr12-110719700-T-G.
Other names: c.106T>G, p.Trp36Gly (NM_001413013.1, NM_001413014.1, NM_001681.4); c.-257-709T>G (NM_001413015.1); short protein forms W36G.
Identifiers: ClinVar variation 3359253 (VCV003359253.2).